The following is an entry in ClinVar:

NM_001042492.3(NF1):c.743del (p.Lys248fs)

Gene: NF1 (neurofibromin 1; plus strand). Cytogenetic location: 17q11.2.
Variant type: Deletion.
Coding change: c.743del on transcript NM_001042492.3 (MANE Select); coding-DNA position 743, one base deleted (A; older notation c.743delA).
Protein change: p.Lys248fs; shifts the reading frame from lysine 248.
Molecular consequence: frameshift variant.
Genome position (GRCh38, 1-based): chr17:31,182,520, A deleted; the last of 4 consecutive A bases (chr17:31,182,517-31,182,520); deleting any one gives the same sequence. VCF-style (leftmost placement, unchanged base first): chr17-31182516-GA-G. GRCh37 (hg19) VCF-style: chr17-29509534-GA-G.
Other names: c.743delA, p.Lys248Serfs (NM_000267.4); c.743del, p.Lys248fs (NM_001128147.3); short protein forms K248fs.
Identifiers: ClinVar variation 2011544 (VCV002011544.5), dbSNP rs2544753151, ClinGen allele CA645571204.

ClinVar aggregate classification (germline): Pathogenic. Review status: criteria provided, multiple submitters, no conflicts (2 of 4 stars). 2 submissions from 2 submitters: Pathogenic (2). Last evaluated 2025-11-14.

Conditions:
Neurofibromatosis, type 1 (NF1). Also called: Peripheral type neurofibromatosis; VON RECKLINGHAUSEN DISEASE; NEUROFIBROMATOSIS, TYPE I, SOMATIC; Neurofibromatosis, type I. Identifiers: Orphanet 636, MedGen C0027831, MONDO:0018975, OMIM 162200. Disease mechanism: loss of function.

Submissions (2):

3billion
Classification: Pathogenic for Neurofibromatosis, type 1. Last evaluated: 2025-11-14. Review status: criteria provided, single submitter. Criteria: ACMG Guidelines, 2015. Collection method: clinical testing. Allele origin: germline. Affected: yes.
Comment: The variant is not observed in the gnomAD v4.1.0 dataset. Predicted Consequence/Location: Frameshift: predicted to result in a loss or disruption of normal protein function through nonsense-mediated decay (NMD) or protein truncation. Multiple pathogenic variants are reported downstream of the variant. The variant has been reported to be associated with NF1-related disorder (ClinVar ID: VCV002011544). Therefore, this variant is classified as Pathogenic according to the recommendation of ACMG/AMP guideline.

Labcorp Genetics (formerly Invitae), Labcorp
Classification: Pathogenic for Neurofibromatosis, type 1. Last evaluated: 2022-06-27. Review status: criteria provided, single submitter. Criteria: Invitae Variant Classification Sherloc (09022015). Collection method: clinical testing. Allele origin: germline.
Comment: This sequence change creates a premature translational stop signal (p.Lys248Serfs*33) in the NF1 gene. It is expected to result in an absent or disrupted protein product. Loss-of-function variants in NF1 are known to be pathogenic (PMID: 10712197, 23913538). For these reasons, this variant has been classified as Pathogenic. This variant has not been reported in the literature in individuals affected with NF1-related conditions. This variant is not present in population databases (gnomAD no frequency).

Literature cited by the submitters: PubMed 10712197 (cited by Labcorp Genetics (formerly Invitae), Labcorp); PubMed 23913538 (cited by Labcorp Genetics (formerly Invitae), Labcorp).